The following is an entry in ClinVar:

ClinVar aggregate classification (germline): Uncertain significance. Review status: criteria provided, multiple submitters, no conflicts (2 of 4 stars). 2 submissions from 2 submitters: Uncertain significance (2). Last evaluated 2026-04-15.

Conditions:
Inborn genetic diseases. Identifiers: MedGen C0950123, MeSH D030342.

Allele frequency attached by ClinVar (database versions not stated): TOPMed below 0.00001.

Submissions (2):

Ambry Genetics
Classification: Uncertain significance for Inborn genetic diseases. Last evaluated: 2026-04-15. Review status: criteria provided, single submitter. Criteria: Ambry Variant Classification Scheme 2023. Collection method: clinical testing. Allele origin: germline.

GeneDx
Classification: Uncertain significance. Last evaluated: 2020-10-19. Review status: criteria provided, single submitter. Criteria: GeneDx Variant Classification Process June 2021. Collection method: clinical testing. Allele origin: germline. Affected: yes.
Comment: Not observed in large population cohorts (Lek et al., 2016); In silico analysis supports that this missense variant has a deleterious effect on protein structure/function; Has not been previously published as pathogenic or benign to our knowledge

NM_001372044.2(SHANK3):c.2986C>T (p.Arg996Trp)

Gene: SHANK3 (SH3 and multiple ankyrin repeat domains 3; plus strand). Cytogenetic location: 22q13.33.
Variant type: single nucleotide variant.
Coding change: c.2986C>T on transcript NM_001372044.2 (MANE Select); coding-DNA position 2986, C replaced by T.
Protein change: p.Arg996Trp; replaces arginine 996 with tryptophan.
Molecular consequence: missense variant.
Genome position (GRCh38, 1-based): chr22:50,720,594, C>T. VCF-style: chr22-50720594-C-T. GRCh37 (hg19) VCF-style: chr22-51159022-C-T.
Other names: c.2761C>T (NM_033517.1); short protein forms R996W.
Identifiers: ClinVar variation 1306349 (VCV001306349.3), dbSNP rs2083275877, ClinGen allele CA515259722.
Genomic context (GRCh38, chr22:50,720,594, plus strand): 5'-GAGTCGGGCGACGCCCCTCGACCCCCGCCCGCGGCCACCCCGCCCGAGCGACCCAAGCGC[C>T]GGCCGCGGCCGCCCGGCCCCGACAGCCCCTACGCCAACCTGGGCGCCTTCAGCGCCAGCC-3'
Protein context (NP_001358973.1, residues 986-1006): AATPPERPKR[Arg996Trp]PRPPGPDSPY